The following is an entry in ClinVar:

ClinVar aggregate classification (germline): Uncertain significance (1 of 4 stars; one submission).

Conditions:
Inborn genetic diseases. Identifiers: MedGen C0950123, MeSH D030342.

Submission:

Ambry Genetics
Classification: Uncertain significance for Inborn genetic diseases. Last evaluated: 2025-12-27. Review status: criteria provided, single submitter. Criteria: Ambry Variant Classification Scheme 2023. Collection method: clinical testing. Allele origin: germline.
Comment: The p.E1060Q variant (also known as c.3178G>C), located in coding exon 24 of the ANKRD26 gene, results from a G to C substitution at nucleotide position 3178. The glutamic acid at codon 1060 is replaced by glutamine, an amino acid with highly similar properties. This amino acid position is conserved. In addition, this alteration is predicted to be tolerated by in silico analysis. Based on the available evidence, the clinical significance of this variant remains unclear.

NM_014915.3(ANKRD26):c.3178G>C (p.Glu1060Gln)

Gene: ANKRD26 (ankyrin repeat domain 26; minus strand). Cytogenetic location: 10p12.1.
Variant type: single nucleotide variant.
Coding change: c.3178G>C on transcript NM_014915.3 (MANE Select); coding-DNA position 3178, G replaced by C.
Protein change: p.Glu1060Gln; replaces glutamic acid 1060 with glutamine.
Molecular consequence: missense variant.
Genome position (GRCh38, 1-based): chr10:27,035,272, C>G on the plus strand (G>C on the coding strand, the complement: ANKRD26 is on the minus strand). VCF-style: chr10-27035272-C-G. GRCh37 (hg19) VCF-style: chr10-27324201-C-G.
Other names: c.3175G>C, p.Glu1059Gln (NM_001256053.2); short protein forms E1059Q, E1060Q.
Identifiers: ClinVar variation 4842350 (VCV004842350.1).